The following is an entry in ClinVar:

ClinVar aggregate classification (germline): Likely pathogenic (1 of 4 stars; one submission).

Conditions:
Arrhythmogenic right ventricular dysplasia 8 (ARVD8). Also called: Arrhythmogenic Right Ventricular Dysplasia/Cardiomyopathy 8; ARRHYTHMOGENIC RIGHT VENTRICULAR DYSPLASIA, FAMILIAL, 8; ARRHYTHMOGENIC RIGHT VENTRICULAR CARDIOMYOPATHY 8. Identifiers: MedGen C1843896, MONDO:0011831, OMIM 607450.
Arrhythmogenic cardiomyopathy with wooly hair and keratoderma. Also called: Arrhythmogenic cardiomyopathy with woolly hair and keratoderma; Carvajal syndrome; PALMOPLANTAR KERATODERMA WITH LEFT VENTRICULAR CARDIOMYOPATHY AND WOOLLY HAIR; Dilated cardiomyopathy with woolly hair and keratoderma. Identifiers: Orphanet 65282, MedGen C1854063, MONDO:0011581, OMIM 605676.

Submission:

Labcorp Genetics (formerly Invitae), Labcorp
Classification: Likely pathogenic for Arrhythmogenic cardiomyopathy with wooly hair and keratoderma; Arrhythmogenic right ventricular dysplasia 8. Last evaluated: 2021-01-21. Review status: criteria provided, single submitter. Criteria: Invitae Variant Classification Sherloc (09022015). Collection method: clinical testing. Allele origin: germline.
Comment: In summary, the currently available evidence indicates that the variant is pathogenic, but additional data are needed to prove that conclusively. Therefore, this variant has been classified as Likely Pathogenic. This variant has not been reported in the literature in individuals with DSP-related conditions. This variant results in the deletion of exons 2-22 and part of exon 23 (c.171-2981_3207del) of the DSP gene. It is expected to disrupt RNA splicing. Variants that disrupt the donor or acceptor splice site typically lead to a loss of protein function (PMID: 16199547), and loss-of-function variants in DSP are known to be pathogenic (PMID: 20716751, 24503780, 25227139).

Literature cited by the submitters: PubMed 16199547; PubMed 20716751; PubMed 24503780; PubMed 25227139.

NC_000006.11:g.(?_7552967)_(7579627_?)del

Gene: DSP (desmoplakin; plus strand). Cytogenetic location: 6p24.3.
Variant type: Deletion.
Identifiers: ClinVar variation 1512786 (VCV001512786.7).